The following is an entry in ClinVar:

NM_006204.4(PDE6C):c.238G>A (p.Val80Ile)

Gene: PDE6C (phosphodiesterase 6C; plus strand). Cytogenetic location: 10q23.33.
Variant type: single nucleotide variant.
Coding change: c.238G>A on transcript NM_006204.4 (MANE Select); coding-DNA position 238, G replaced by A.
Protein change: p.Val80Ile; replaces valine 80 with isoleucine.
Molecular consequence: missense variant.
Genome position (GRCh38, 1-based): chr10:93,612,963, G>A. VCF-style: chr10-93612963-G-A. GRCh37 (hg19) VCF-style: chr10-95372720-G-A.
Other names: short protein forms V80I.
Identifiers: ClinVar variation 963797 (VCV000963797.9), dbSNP rs1169824243, ClinGen allele CA377622026.

ClinVar aggregate classification (germline): Uncertain significance (1 of 4 stars; one submission).

Allele frequency attached by ClinVar (database versions not stated): gnomAD exomes below 0.00001 and 0.00001; TOPMed below 0.00001.

Submission:

Labcorp Genetics (formerly Invitae), Labcorp
Classification: Uncertain significance. Last evaluated: 2019-10-13. Review status: criteria provided, single submitter. Criteria: Invitae Variant Classification Sherloc (09022015). Collection method: clinical testing. Allele origin: germline.
Comment: Algorithms developed to predict the effect of missense changes on protein structure and function (SIFT, PolyPhen-2, Align-GVGD) all suggest that this variant is likely to be tolerated, but these predictions have not been confirmed by published functional studies and their clinical significance is uncertain. This variant has not been reported in the literature in individuals with PDE6C-related conditions. This variant is not present in population databases (ExAC no frequency). This sequence change replaces valine with isoleucine at codon 80 of the PDE6C protein (p.Val80Ile). The valine residue is moderately conserved and there is a small physicochemical difference between valine and isoleucine. In summary, the available evidence is currently insufficient to determine the role of this variant in disease. Therefore, it has been classified as a Variant of Uncertain Significance.